The following is an entry in ClinVar:

ClinVar aggregate classification (germline): Likely benign. Review status: criteria provided, multiple submitters, no conflicts (2 of 4 stars). 2 submissions from 2 submitters: Likely benign (2). Last evaluated 2024-10-26.

Conditions:
Familial cold autoinflammatory syndrome 3 (FCAS3). Also called: ANTIBODY DEFICIENCY AND IMMUNE DYSREGULATION, PLCG2-ASSOCIATED; FAMILIAL ATYPICAL COLD URTICARIA. Identifiers: Orphanet 300359, MedGen C3280914, MONDO:0013766, OMIM 614468.

Allele frequency attached by ClinVar (database versions not stated): ExAC 0.00001; gnomAD exomes 0.00001.
gnomAD v4.1: 5 of 1,613,684 alleles (0.00031%); highest among the groups gnomAD compares: Middle Eastern, 0.016%; no homozygotes.

Submissions (2):

Labcorp Genetics (formerly Invitae), Labcorp
Classification: Likely benign for Familial cold autoinflammatory syndrome 3. Last evaluated: 2024-10-26. Review status: criteria provided, single submitter. Criteria: Invitae Variant Classification Sherloc (09022015). Collection method: clinical testing. Allele origin: germline.

CeGaT Center for Human Genetics Tuebingen
Classification: Likely benign. Last evaluated: 2022-10-01. Review status: criteria provided, single submitter. Criteria: CeGaT Center For Human Genetics Tuebingen Variant Classification Criteria Version 2. Collection method: clinical testing. Allele origin: germline. Affected: yes. Observed: 1 variant allele.
Comment: PLCG2: BP4

NM_002661.5(PLCG2):c.2582-5C>G

Gene: PLCG2 (phospholipase C gamma 2; plus strand). Cytogenetic location: 16q23.3.
Variant type: single nucleotide variant.
Coding change: c.2582-5C>G on transcript NM_002661.5 (MANE Select); 5 bases into the intron before coding-DNA position 2582, C replaced by G.
Molecular consequence: intron variant.
Genome position (GRCh38, 1-based): chr16:81,931,492, C>G. VCF-style: chr16-81931492-C-G. GRCh37 (hg19) VCF-style: chr16-81965097-C-G.
Identifiers: ClinVar variation 1501571 (VCV001501571.37), dbSNP rs771695879, ClinGen allele CA8194373.